The following is an entry in ClinVar:

NM_020964.3(EPG5):c.2071G>A (p.Ala691Thr)

Gene: EPG5 (ectopic P-granules 5 autophagy tethering factor; minus strand). Cytogenetic location: 18q21.1.
Variant type: single nucleotide variant.
Coding change: c.2071G>A on transcript NM_020964.3 (MANE Select); coding-DNA position 2071, G replaced by A.
Protein change: p.Ala691Thr; replaces alanine 691 with threonine.
Molecular consequence: missense variant.
Genome position (GRCh38, 1-based): chr18:45,939,628, C>T on the plus strand (G>A on the coding strand, the complement: EPG5 is on the minus strand). VCF-style: chr18-45939628-C-T. GRCh37 (hg19) VCF-style: chr18-43519594-C-T.
Other names: short protein forms A691T.
Identifiers: ClinVar variation 1505823 (VCV001505823.9), dbSNP rs2145880722, ClinGen allele CA402347924.

ClinVar aggregate classification (germline): Uncertain significance (1 of 4 stars; one submission).

Conditions:
Vici syndrome (VICIS). Identifiers: Orphanet 1493, MedGen C1855772, MONDO:0009452, OMIM 242840.

gnomAD v4.1: 1 of 1,614,094 alleles (0.000062%); no homozygotes.

Submission:

Labcorp Genetics (formerly Invitae), Labcorp
Classification: Uncertain significance for Vici syndrome. Last evaluated: 2020-12-22. Review status: criteria provided, single submitter. Criteria: Invitae Variant Classification Sherloc (09022015). Collection method: clinical testing. Allele origin: germline.
Comment: In summary, the available evidence is currently insufficient to determine the role of this variant in disease. Therefore, it has been classified as a Variant of Uncertain Significance. Algorithms developed to predict the effect of missense changes on protein structure and function are either unavailable or do not agree on the potential impact of this missense change (SIFT: "Deleterious"; PolyPhen-2: "Probably Damaging"; Align-GVGD: "Class C0"). This variant has not been reported in the literature in individuals with EPG5-related conditions. This variant is not present in population databases (ExAC no frequency). This sequence change replaces alanine with threonine at codon 691 of the EPG5 protein (p.Ala691Thr). The alanine residue is moderately conserved and there is a small physicochemical difference between alanine and threonine.